The following is an entry in ClinVar:

ClinVar aggregate classification (germline): Uncertain significance (0 of 4 stars; one submission).

Conditions:
NCOA1-related disorder. Also called: NCOA1-related condition.

Submission:

PreventionGenetics, part of Exact Sciences
Classification: Uncertain significance for NCOA1-related condition. Last evaluated: 2024-08-05. Review status: no assertion criteria provided. Collection method: clinical testing. Allele origin: germline.
Comment: The NCOA1 c.2323G>A variant is predicted to result in the amino acid substitution p.Val775Met. To our knowledge, this variant has not been reported in the literature or in a large population database, indicating this variant is rare. At this time, the clinical significance of this variant is uncertain due to the absence of conclusive functional and genetic evidence.

NM_003743.5(NCOA1):c.2323G>A (p.Val775Met)

Gene: NCOA1 (nuclear receptor coactivator 1; plus strand). Cytogenetic location: 2p23.3.
Variant type: single nucleotide variant.
Coding change: c.2323G>A on transcript NM_003743.5 (MANE Select); coding-DNA position 2323, G replaced by A.
Protein change: p.Val775Met; replaces valine 775 with methionine.
Molecular consequence: missense variant.
Genome position (GRCh38, 1-based): chr2:24,707,793, G>A. VCF-style: chr2-24707793-G-A. GRCh37 (hg19) VCF-style: chr2-24930662-G-A.
Other names: c.2323G>A, p.Val775Met (NM_001362950.1, NM_001362952.1, NM_001362954.1 and 3 more transcripts); short protein forms V775M.
Identifiers: ClinVar variation 3354367 (VCV003354367.1).